The following is an entry in ClinVar:

ClinVar aggregate classification (germline): Likely pathogenic (1 of 4 stars; one submission).

Conditions:
Intellectual disability-facial dysmorphism syndrome due to SETD5 haploinsufficiency (MRD23). Also called: Intellectual developmental disorder, autosomal dominant 23. Identifiers: Orphanet 404440, MedGen C3810406, MONDO:0014336, OMIM 615761.

Submission:

Laboratorio de Genetica e Diagnostico Molecular, Hospital Israelita Albert Einstein
Classification: Likely pathogenic for Intellectual disability-facial dysmorphism syndrome due to SETD5 haploinsufficiency. Last evaluated: 2025-08-12. Review status: criteria provided, single submitter. Criteria: ACMG Guidelines, 2015. Collection method: clinical testing. Allele origin: germline. Affected: yes.
Comment: ACMG classification criteria: PVS1 very strong, PM2 supporting

NM_001080517.3(SETD5):c.1590_1599dup (p.Gln534fs)

Gene: SETD5 (SET domain containing 5; plus strand). Cytogenetic location: 3p25.3.
Variant type: Duplication.
Coding change: c.1590_1599dup on transcript NM_001080517.3 (MANE Select); coding-DNA positions 1590 to 1599, 10 bases duplicated (GCGGCGGGAT; older notation c.1590_1599dupGCGGCGGGAT).
Protein change: p.Gln534fs; shifts the reading frame from glutamine 534.
Molecular consequence: frameshift variant.
Genome position (GRCh38, 1-based): chr3:9,447,115-9,447,124, GCGGCGGGAT duplicated. VCF-style (leftmost placement, unchanged base first): chr3-9447114-A-AGCGGCGGGAT. GRCh37 (hg19) VCF-style: chr3-9488798-A-AGCGGCGGGAT.
Other names: c.1296_1305dup, p.Gln436fs (NM_001292043.2, NM_001349451.2); c.1686_1695dup, p.Gln566fs (NM_001437633.1); c.1647_1656dup, p.Gln553fs (NM_001437635.1); c.1590_1599dup, p.Gln534fs (NM_001437643.1); c.1629_1638dup, p.Gln547fs (NM_001437701.1); short protein forms Q436fs, Q534fs, Q547fs, Q553fs, Q566fs.
Identifiers: ClinVar variation 4846926 (VCV004846926.1).
Genomic context (GRCh38, chr3:9,447,114, plus strand): 5'-GGGAAGATAGAAAGGTAGAAGCCATCATGCATGCTTTTGAAAACTTAGAGAAAAGAAAGA[A>AGCGGCGGGAT]GCGGCGGGATCAGCCCTTGGAACAGAGCAACTCTGATGTAGAGATTACTACAACCACCTC-3'